The following is an entry in ClinVar:

NM_000059.4(BRCA2):c.7436-14T>G

Gene: BRCA2 (BRCA2 DNA repair associated; plus strand). Cytogenetic location: 13q13.1.
Variant type: single nucleotide variant.
Coding change: c.7436-14T>G on transcript NM_000059.4 (MANE Select); 14 bases into the intron before coding-DNA position 7436, T replaced by G.
Molecular consequence: intron variant.
Genome position (GRCh38, 1-based): chr13:32,356,414, T>G. VCF-style: chr13-32356414-T-G. GRCh37 (hg19) VCF-style: chr13-32930551-T-G.
Other names: IVS14-14T>G.
Identifiers: ClinVar variation 52328 (VCV000052328.23), dbSNP rs81002814, ClinGen allele CA025082.
Genomic context (GRCh38, chr13:32,356,414, plus strand): 5'-GCCACTGTGCCTGGCCAGGGGTTGTGCTTTTTAAATTTCAATTTTATTTTTGCTAAGTAT[T>G]TATTCTTTGATAGATTTAATTACAAGTCTTCAGAATGCCAGAGATATACAGGATATGCGA-3'

ClinVar aggregate classification (germline): Likely benign. Review status: criteria provided, multiple submitters, no conflicts (2 of 4 stars). 11 submissions from 11 submitters: Likely benign (6). 5 of the submissions do not count toward it. Last evaluated 2026-01-07.

Conditions:
Hereditary cancer-predisposing syndrome. Also called: Neoplastic Syndromes, Hereditary; Tumor predisposition; Hereditary Cancer Syndrome; Hereditary neoplastic syndrome. Identifiers: Orphanet 140162, MedGen C0027672, MeSH D009386, MONDO:0015356.
Hereditary breast ovarian cancer syndrome. Also called: Breast and ovarian cancer; BRCA1- and BRCA2-Associated Hereditary Breast and Ovarian Cancer; Hereditary breast and ovarian cancer syndrome; Hereditary breast and/or ovarian cancer syndrome; Hereditary breast and ovarian cancer syndrome (HBOC); Hereditary breast and ovarian cancer. Identifiers: Orphanet 145, MedGen C0677776, MeSH D061325, MONDO:0003582. Disease mechanism: loss of function.
Breast-ovarian cancer, familial, susceptibility to, 2 (BROVCA2). Also called: BRCA2 Hereditary Breast and Ovarian Cancer. Identifiers: Orphanet 145, MedGen C2675520, MONDO:0012933, OMIM 612555. Disease mechanism: loss of function.
Malignant tumor of breast. Also called: Malignant breast neoplasm; Cancer breast. Identifiers: MedGen C0006142, MONDO:0007254. Disease mechanism: loss of function.

Allele frequency attached by ClinVar (database versions not stated): gnomAD exomes 0.00001; TOPMed 0.00002; gnomAD 0.00003.
gnomAD v4.1: 20 of 1,609,560 alleles (0.0012%); highest among the groups gnomAD compares: Non-Finnish European, 0.0017%; no homozygotes.

Submissions (11):

Labcorp Genetics (formerly Invitae), Labcorp
Classification: Likely benign for Hereditary breast ovarian cancer syndrome. Last evaluated: 2026-01-07. Review status: criteria provided, single submitter. Criteria: Invitae Variant Classification Sherloc (09022015). Collection method: clinical testing. Allele origin: germline.

Women's Health and Genetics/Laboratory Corporation of America, LabCorp
Classification: Likely benign. Last evaluated: 2025-08-28. Review status: criteria provided, single submitter. Criteria: LabCorp Variant Classification Summary - May 2015. Collection method: clinical testing. Allele origin: germline.
Comment: Variant summary: BRCA2 c.7436-14T>G alters a non-conserved nucleotide located at a position not widely known to affect splicing. Several computational tools predict a significant impact on normal splicing: three predict the variant creates a 5' donor site. However, in vitro functional studies showed that this variant did not affect splicing (Whiley_2011, Fraile-Bethencourt_2019). The variant allele was found at a frequency of 8e-06 in 250588 control chromosomes (gnomAD). The available data on variant occurrences in the general population are insufficient to allow any conclusion about variant significance. c.7436-14T>G has been observed in individual(s) affected with breast cancer (Palma_2008). Co-occurrences with other pathogenic variant(s) have been reported (BRCA2 c.7069_7070delCT, p.Leu2357Valfs in the BIC database, and BRCA1 c.5062_5064delGTT, p.V1688del in Palma_2008), providing supporting evidence for a benign role. The following publications have been ascertained in the context of this evaluation (PMID: 21990134, 21523855, 19706752, 18703817, 21394826, 31191615). ClinVar contains an entry for this variant (Variation ID: 52328). Based on the evidence outlined above, the variant was classified as likely benign.

Blueprint Genetics
Classification: Likely benign. Last evaluated: 2024-06-07. Review status: criteria provided, single submitter. Criteria: ACMG Guidelines, 2015. Collection method: clinical testing. Allele origin: germline.

All of Us Research Program, National Institutes of Health
Classification: Likely benign for Breast-ovarian cancer, familial, susceptibility to, 2. Last evaluated: 2023-11-02. Review status: criteria provided, single submitter. Criteria: ACMG Guidelines, 2015. Collection method: clinical testing. Allele origin: germline. Inheritance: Autosomal dominant inheritance. Observed: 8 variant alleles, 8 heterozygotes.
Comment: This study involves interpretation of variants in research participants for the purpose of population health screening. Participant phenotype was not available at the time of variant classification. Additional details can be found in publication PMID: 35346344, PMCID: PMC8962531

Color Diagnostics, LLC DBA Color Health
Classification: Likely benign for Hereditary cancer-predisposing syndrome. Last evaluated: 2018-01-25. Review status: criteria provided, single submitter. Criteria: ACMG Guidelines, 2015. Collection method: clinical testing. Allele origin: germline.

GeneDx
Classification: Likely benign. Last evaluated: 2017-09-25. Review status: criteria provided, single submitter. Criteria: GeneDx Variant Classification (06012015). Collection method: clinical testing. Allele origin: germline. Affected: yes.
Comment: This variant is considered likely benign or benign based on one or more of the following criteria: it is a conservative change, it occurs at a poorly conserved position in the protein, it is predicted to be benign by multiple in silico algorithms, and/or has population frequency not consistent with disease.

Counsyl
Classification: Likely benign for Breast-ovarian cancer, familial, susceptibility to, 2. Last evaluated: 2016-07-21. Review status: no assertion criteria provided. Collection method: clinical testing. Allele origin: unknown. Not counted in ClinVar's aggregate classification.

Breast Cancer Information Core (BIC) (BRCA2)
Classification: Uncertain significance for Breast-ovarian cancer, familial 2. Last evaluated: 2002-05-29. Review status: no assertion criteria provided. Collection method: clinical testing. Allele origin: germline. Affected: yes. Observed: 4 variant alleles. Not counted in ClinVar's aggregate classification.

Clinical Genetics Laboratory, Department of Pathology, Netherlands Cancer Institute
Classification: Likely benign. Review status: no assertion criteria provided. Collection method: clinical testing. Allele origin: germline. Affected: yes. Study: VKGL Data-share Consensus. Not counted in ClinVar's aggregate classification.

Department of Pathology and Laboratory Medicine, Sinai Health System
Classification: Uncertain significance for Malignant tumor of breast. Review status: no assertion criteria provided. Collection method: clinical testing. Allele origin: unknown. Affected: yes. Study: The Canadian Open Genetics Repository (COGR). Not counted in ClinVar's aggregate classification.
Comment: The BRCA2 c.7436-14T>G variant was identified in the literature in multiple studies with multifunctional experiments, RT-PCR, and in vitro splicing and in silico analysis with likely not pathogenic and uncertain significance predictions (Wiley 2011, Lindor 2011 and Mucaki 2011). The variant was also identified in dbSNP (ID: rs81002814) as with â€šÃ„Ãºotherâ€šÃ„Ã¹ in ClinVar (with conflicting interpretations of pathogenicity, 2 x as likely benign by Invitae and Counsyl, 1 x as uncertain significance by BIC), UMD-LSDB (1 x), BIC Database (4 x unknown clinical importance, by Myriad), databases. The variant was not identified in GeneInsight-COGR, Cosmic, MutDB, LOVD 3.0, ARUP Laboratories, Zhejiang Colon Cancer Database, databases. The variant was identified in control databases in 2 of 245584 chromosomes at a frequency of 0.000008 increasing the likelihood that this may be a low frequency benign variant in certain populations of origin (Genome Aggregation Consortium Feb 27, 2017). The variant occurs outside of the splicing consensus sequence and 3 of 5 in silico or computational prediction software programs (SpliceSiteFinder, MaxEntScan, NNSPLICE, GeneSplicer, HumanSpliceFinder) predict a greater than 10% difference in splicing. However, this information is not predictive enough to assume pathogenicity. In summary, based on the above conflicting information the clinical significance of this variant cannot be determined with certainty at this time. This variant is classified as uncertain significance.

Joint Genome Diagnostic Labs from Nijmegen and Maastricht, Radboudumc and MUMC+
Classification: Likely benign. Review status: no assertion criteria provided. Collection method: clinical testing. Allele origin: germline. Affected: yes. Study: VKGL Data-share Consensus. Not counted in ClinVar's aggregate classification.

Literature cited by the submitters: PubMed 21990134 (cited by Women's Health and Genetics/Laboratory Corporation of America, LabCorp and Counsyl); PubMed 18703817 (cited by Women's Health and Genetics/Laboratory Corporation of America, LabCorp and Counsyl); PubMed 21394826 (cited by Women's Health and Genetics/Laboratory Corporation of America, LabCorp and Counsyl); PubMed 21523855 (cited by Women's Health and Genetics/Laboratory Corporation of America, LabCorp and Counsyl); PubMed 19706752 (cited by Women's Health and Genetics/Laboratory Corporation of America, LabCorp); PubMed 31191615 (cited by Women's Health and Genetics/Laboratory Corporation of America, LabCorp).